The following is an entry in ClinVar:

NM_003742.4(ABCB11):c.3667G>A (p.Glu1223Lys)

Gene: ABCB11 (ATP binding cassette subfamily B member 11; minus strand). Cytogenetic location: 2q31.1.
Variant type: single nucleotide variant.
Coding change: c.3667G>A on transcript NM_003742.4 (MANE Select); coding-DNA position 3667, G replaced by A.
Protein change: p.Glu1223Lys; replaces glutamic acid 1223 with lysine.
Molecular consequence: missense variant.
Genome position (GRCh38, 1-based): chr2:168,924,755, C>T on the plus strand (G>A on the coding strand, the complement: ABCB11 is on the minus strand). VCF-style: chr2-168924755-C-T. GRCh37 (hg19) VCF-style: chr2-169781265-C-T.
Other names: short protein forms E1223K.
Identifiers: ClinVar variation 4845979 (VCV004845979.1).

ClinVar aggregate classification (germline): Uncertain significance (1 of 4 stars; one submission).

Conditions:
Familial intrahepatic cholestasis. Identifiers: Orphanet 284385, MedGen CN296401, MONDO:0017290.

Submission:

Genomenon, Inc
Classification: Uncertain significance for Familial intrahepatic cholestasis. Last evaluated: 2026-04-14. Review status: criteria provided, single submitter. Criteria: Genomenon Sequence Variant Interpretation Standards - Updated. Collection method: curation. Allele origin: germline. Affected: yes.
Comment: ABCB11 p.Glu1223Lys (c.3667G>A) is a missense variant that changes the amino acid at residue 1223 from Glutamic acid to Lysine. This variant has been observed in at least one proband with an ABCB11-related disorder (PMID:32087350). The presence of pathogenic or likely pathogenic missense variant(s) at the same amino acid position indicates that this residue is likely important for protein function. It is absent or not present at a significant frequency in gnomAD. In silico models predict that this variant is possibly or probably damaging. In conclusion, we classify ABCB11 p.Glu1223Lys (c.3667G>A) as a variant of uncertain significance.

Literature cited by the submitters: PubMed 32087350.